The following is an entry in ClinVar:

NM_014754.3(PTDSS1):c.1214A>G (p.Tyr405Cys)

Gene: PTDSS1 (phosphatidylserine synthase 1; plus strand). Cytogenetic location: 8q22.1.
Variant type: single nucleotide variant.
Coding change: c.1214A>G on transcript NM_014754.3 (MANE Select); coding-DNA position 1214, A replaced by G.
Protein change: p.Tyr405Cys; replaces tyrosine 405 with cysteine.
Molecular consequence: missense variant.
Genome position (GRCh38, 1-based): chr8:96,330,253, A>G. VCF-style: chr8-96330253-A-G. GRCh37 (hg19) VCF-style: chr8-97342481-A-G.
Other names: c.776A>G, p.Tyr259Cys (NM_001290225.2); c.1214A>G (NM_014754.1); short protein forms Y259C, Y405C.
Identifiers: ClinVar variation 1690696 (VCV001690696.10), dbSNP rs916463087, ClinGen allele CA181503196.

ClinVar aggregate classification (germline): Uncertain significance. Review status: criteria provided, multiple submitters, no conflicts (2 of 4 stars). 3 submissions from 3 submitters: Uncertain significance (3). Last evaluated 2025-10-29.

Conditions:
Inborn genetic diseases. Identifiers: MedGen C0950123, MeSH D030342.

Allele frequency attached by ClinVar (database versions not stated): TOPMed below 0.00001; gnomAD 0.00001; gnomAD exomes 0.00001 and 0.00002.
gnomAD v4.1: 22 of 1,612,712 alleles (0.0014%); highest among the groups gnomAD compares: Admixed American, 0.0067%; no homozygotes.

Submissions (3):

Labcorp Genetics (formerly Invitae), Labcorp
Classification: Uncertain significance. Last evaluated: 2025-10-29. Review status: criteria provided, single submitter. Criteria: Invitae Variant Classification Sherloc (09022015). Collection method: clinical testing. Allele origin: germline.
Comment: This sequence change replaces tyrosine, which is neutral and polar, with cysteine, which is neutral and slightly polar, at codon 405 of the PTDSS1 protein (p.Tyr405Cys). This variant is present in population databases (no rsID available, gnomAD 0.006%). This variant has not been reported in the literature in individuals affected with PTDSS1-related conditions. ClinVar contains an entry for this variant (Variation ID: 1690696). Invitae Evidence Modeling of protein sequence and biophysical properties (such as structural, functional, and spatial information, amino acid conservation, physicochemical variation, residue mobility, and thermodynamic stability) indicates that this missense variant is not expected to disrupt PTDSS1 protein function with a negative predictive value of 80%. In summary, the available evidence is currently insufficient to determine the role of this variant in disease. Therefore, it has been classified as a Variant of Uncertain Significance.

Ambry Genetics
Classification: Uncertain significance for Inborn genetic diseases. Last evaluated: 2025-08-01. Review status: criteria provided, single submitter. Criteria: Ambry Variant Classification Scheme 2023. Collection method: clinical testing. Allele origin: germline.

Laboratorio de Genetica e Diagnostico Molecular, Hospital Israelita Albert Einstein
Classification: Uncertain significance. Last evaluated: 2019-10-07. Review status: criteria provided, single submitter. Criteria: ACMG Guidelines, 2015. Collection method: clinical testing. Allele origin: germline. Affected: yes.
Comment: ACMG classification criteria: PM2, PP3, BS2